The following is an entry in ClinVar:

NM_004991.4(MECOM):c.383A>G (p.Asp128Gly)

Gene: MECOM (MDS1 and EVI1 complex locus; minus strand). Cytogenetic location: 3q26.2.
Variant type: single nucleotide variant.
Coding change: c.383A>G on transcript NM_004991.4 (MANE Select); coding-DNA position 383, A replaced by G.
Protein change: p.Asp128Gly; replaces aspartic acid 128 with glycine.
Molecular consequence: missense variant. On other transcripts: 5 prime UTR variant (12).
Genome position (GRCh38, 1-based): chr3:169,143,825, T>C on the plus strand (A>G on the coding strand, the complement: MECOM is on the minus strand). VCF-style: chr3-169143825-T-C. GRCh37 (hg19) VCF-style: chr3-168861613-T-C.
Other names: c.11A>G, p.Asp4Gly (NM_001105077.4); c.-182A>G (NM_001105078.4, NM_001163999.2, NM_001164000.2 and 9 more transcripts); c.383A>G, p.Asp128Gly (NM_001366466.2, NM_001366473.2); short protein forms D128G, D4G.
Identifiers: ClinVar variation 3871766 (VCV003871766.1).

ClinVar aggregate classification (germline): Uncertain significance (1 of 4 stars; one submission).

Conditions:
Inborn genetic diseases. Identifiers: MedGen C0950123, MeSH D030342.

gnomAD v4.1: 10 of 1,605,716 alleles (0.00062%); highest among the groups gnomAD compares: Admixed American, 0.017%; no homozygotes.

Submission:

Ambry Genetics
Classification: Uncertain significance for Inborn genetic diseases. Last evaluated: 2025-01-30. Review status: criteria provided, single submitter. Criteria: Ambry Variant Classification Scheme 2023. Collection method: clinical testing. Allele origin: germline.
Comment: The p.D128G variant (also known as c.383A>G), located in coding exon 3 of the MECOM gene, results from an A to G substitution at nucleotide position 383. The aspartic acid at codon 128 is replaced by glycine, an amino acid with similar properties. This amino acid position is conserved. In addition, this alteration is predicted to be tolerated by in silico analysis. Based on the available evidence, the clinical significance of this variant remains unclear.